The following is an entry in ClinVar:

NM_001126108.2(SLC12A3):c.898T>C (p.Tyr300His)

Gene: SLC12A3 (solute carrier family 12 member 3; plus strand). Cytogenetic location: 16q13.
Variant type: single nucleotide variant.
Coding change: c.898T>C on transcript NM_001126108.2 (MANE Select); coding-DNA position 898, T replaced by C.
Protein change: p.Tyr300His; replaces tyrosine 300 with histidine.
Molecular consequence: missense variant.
Genome position (GRCh38, 1-based): chr16:56,872,396, T>C. VCF-style: chr16-56872396-T-C. GRCh37 (hg19) VCF-style: chr16-56906308-T-C.
Other names: NP_000330.3:p.(Tyr300His); c.898T>C, p.Tyr300His (NM_000339.3); c.895T>C, p.Tyr299His (NM_001126107.2, NM_001410896.1); short protein forms Y299H, Y300H.
Identifiers: ClinVar variation 4813303 (VCV004813303.1).

ClinVar aggregate classification (germline): Likely pathogenic (1 of 4 stars; one submission).

Conditions:
Familial hypokalemia-hypomagnesemia (GTLMNS). Also called: POTASSIUM AND MAGNESIUM DEPLETION; HYPOMAGNESEMIA-HYPOKALEMIA, PRIMARY RENOTUBULAR, WITH HYPOCALCIURIA; gitelman syndrome. Identifiers: Orphanet 358, MedGen C0268450, MONDO:0009904, OMIM 263800.

gnomAD v4.1: 5 of 1,614,124 alleles (0.00031%); highest among the groups gnomAD compares: South Asian, 0.0011%; no homozygotes.

Submission:

Clinical Genetics Unit, University of Padua
Classification: Likely pathogenic for Familial hypokalemia-hypomagnesemia. Last evaluated: 2025-01-01. Review status: criteria provided, single submitter. Criteria: ACMG Guidelines, 2015. Collection method: clinical testing. Allele origin: germline. Affected: yes. Observed: 1 variant allele.
Comment: This variant is present in gnomAD with a European MAF of 1:393,000 (PM2); it was reported in trans with NM_000339.3:c.1315G>A, a pathogenic variant (PM3); it is a missense variant, which is the most common loss-of-function mechanism in SLC12A3 (PP2); ortholog alignment (M. musculus, B. taurus, O. anatinus, G. gallus, D. rerio, S. purpuratus, and C. elegans) and interpretation software (Franklin) predicted a deleterious effect (PP3).